The following is an entry in ClinVar:

ClinVar aggregate classification (germline): Uncertain significance (1 of 4 stars; one submission).

Conditions:
Hereditary cancer-predisposing syndrome. Also called: Neoplastic Syndromes, Hereditary; Tumor predisposition; Hereditary Cancer Syndrome; Hereditary neoplastic syndrome. Identifiers: Orphanet 140162, MedGen C0027672, MeSH D009386, MONDO:0015356.

Submission:

Ambry Genetics
Classification: Uncertain significance for Hereditary cancer-predisposing syndrome. Last evaluated: 2018-07-26. Review status: criteria provided, single submitter. Criteria: Ambry Variant Classification Scheme 2023. Collection method: clinical testing. Allele origin: germline.
Comment: The p.L634M variant (also known as c.1900T>A), located in coding exon 4 of the MSH6 gene, results from a T to A substitution at nucleotide position 1900. The leucine at codon 634 is replaced by methionine, an amino acid with highly similar properties. This amino acid position is highly conserved in available vertebrate species. In addition, the in silico prediction for this alteration is inconclusive. In addition, the CoDP in silico tool predicts this alteration to have a likely impact on molecular function, with a score of 0.681 (Terui H et al. J. Biomed. Sci. 2013 Apr;20:25). Since supporting evidence is limited at this time, the clinical significance of this alteration remains unclear.

NM_000179.3(MSH6):c.1900T>A (p.Leu634Met)

Gene: MSH6 (mutS homolog 6; plus strand). Cytogenetic location: 2p16.3.
Variant type: single nucleotide variant.
Coding change: c.1900T>A on transcript NM_000179.3 (MANE Select); coding-DNA position 1900, T replaced by A.
Protein change: p.Leu634Met; replaces leucine 634 with methionine.
Molecular consequence: missense variant.
Genome position (GRCh38, 1-based): chr2:47,799,883, T>A. VCF-style: chr2-47799883-T-A. GRCh37 (hg19) VCF-style: chr2-48027022-T-A.
Other names: c.1510T>A, p.Leu504Met (NM_001281492.2); c.994T>A, p.Leu332Met (NM_001281493.2, NM_001281494.2); short protein forms L504M, L634M, L332M.
Identifiers: ClinVar variation 820304 (VCV000820304.4), dbSNP rs876658471, ClinGen allele CA346750101.